The following is an entry in ClinVar:

NM_001042492.3(NF1):c.3656G>T (p.Gly1219Val)

Gene: NF1 (neurofibromin 1; plus strand). Cytogenetic location: 17q11.2.
Variant type: single nucleotide variant.
Coding change: c.3656G>T on transcript NM_001042492.3 (MANE Select); coding-DNA position 3656, G replaced by T.
Protein change: p.Gly1219Val; replaces glycine 1219 with valine.
Molecular consequence: missense variant.
Genome position (GRCh38, 1-based): chr17:31,233,161, G>T. VCF-style: chr17-31233161-G-T. GRCh37 (hg19) VCF-style: chr17-29560179-G-T.
Other names: c.3656G>T, p.Gly1219Val (NM_000267.4); short protein forms G1219V.
Identifiers: ClinVar variation 237552 (VCV000237552.7), dbSNP rs878853885, ClinGen allele CA10583495.

ClinVar aggregate classification (germline): Pathogenic (1 of 4 stars; one submission).

Conditions:
Neurofibromatosis, type 1 (NF1). Also called: VON RECKLINGHAUSEN DISEASE; NEUROFIBROMATOSIS, TYPE I, SOMATIC; Peripheral type neurofibromatosis; Neurofibromatosis, type I. Identifiers: Orphanet 636, MedGen C0027831, MONDO:0018975, OMIM 162200. Disease mechanism: loss of function.

Submission:

Labcorp Genetics (formerly Invitae), Labcorp
Classification: Pathogenic for Neurofibromatosis, type 1. Last evaluated: 2023-10-17. Review status: criteria provided, single submitter. Criteria: Invitae Variant Classification Sherloc (09022015). Collection method: clinical testing. Allele origin: germline.
Comment: This sequence change replaces glycine, which is neutral and non-polar, with valine, which is neutral and non-polar, at codon 1219 of the NF1 protein (p.Gly1219Val). This variant is not present in population databases (gnomAD no frequency). This missense change has been observed in individual(s) with clinical features of neurofibromatosis type 1 (Invitae). ClinVar contains an entry for this variant (Variation ID: 237552). Advanced modeling of protein sequence and biophysical properties (such as structural, functional, and spatial information, amino acid conservation, physicochemical variation, residue mobility, and thermodynamic stability) performed at Invitae indicates that this missense variant is expected to disrupt NF1 protein function. This variant disrupts the p.Gly1219 amino acid residue in NF1. Other variant(s) that disrupt this residue have been observed in individuals with NF1-related conditions (PMID: 31573083; Invitae), which suggests that this may be a clinically significant amino acid residue. For these reasons, this variant has been classified as Pathogenic.

Literature cited by the submitters: PubMed 31573083.